The following is an entry in ClinVar:

ClinVar aggregate classification (germline): Uncertain significance (1 of 4 stars; one submission).

Conditions:
Inborn genetic diseases. Identifiers: MedGen C0950123, MeSH D030342.

Submission:

Ambry Genetics
Classification: Uncertain significance for Inborn genetic diseases. Last evaluated: 2025-01-13. Review status: criteria provided, single submitter. Criteria: Ambry Variant Classification Scheme 2023. Collection method: clinical testing. Allele origin: germline.
Comment: The p.G1208R variant (also known as c.3622G>C), located in coding exon 14 of the FANCM gene, results from a G to C substitution at nucleotide position 3622. The glycine at codon 1208 is replaced by arginine, an amino acid with dissimilar properties. This amino acid position is conserved. In addition, this alteration is predicted to be tolerated by in silico analysis. Based on the available evidence, the clinical significance of this variant remains unclear.

NM_020937.4(FANCM):c.3622G>C (p.Gly1208Arg)

Gene: FANCM (FA complementation group M; plus strand). Cytogenetic location: 14q21.2.
Variant type: single nucleotide variant.
Coding change: c.3622G>C on transcript NM_020937.4 (MANE Select); coding-DNA position 3622, G replaced by C.
Protein change: p.Gly1208Arg; replaces glycine 1208 with arginine.
Molecular consequence: missense variant.
Genome position (GRCh38, 1-based): chr14:45,176,376, G>C. VCF-style: chr14-45176376-G-C. GRCh37 (hg19) VCF-style: chr14-45645579-G-C.
Other names: c.3544G>C, p.Gly1182Arg (NM_001308133.2); short protein forms G1182R, G1208R.
Identifiers: ClinVar variation 3848612 (VCV003848612.1).